The following is an entry in ClinVar:

ClinVar aggregate classification (germline): Uncertain significance (1 of 4 stars; one submission).

Submission:

Labcorp Genetics (formerly Invitae), Labcorp
Classification: Uncertain significance. Last evaluated: 2022-05-12. Review status: criteria provided, single submitter. Criteria: Invitae Variant Classification Sherloc (09022015). Collection method: clinical testing. Allele origin: germline.
Comment: In summary, the available evidence is currently insufficient to determine the role of this variant in disease. Therefore, it has been classified as a Variant of Uncertain Significance. Algorithms developed to predict the effect of missense changes on protein structure and function (SIFT, PolyPhen-2, Align-GVGD) all suggest that this variant is likely to be tolerated. This variant has not been reported in the literature in individuals affected with HIVEP2-related conditions. This variant is not present in population databases (gnomAD no frequency). This sequence change replaces glutamine, which is neutral and polar, with lysine, which is basic and polar, at codon 379 of the HIVEP2 protein (p.Gln379Lys).

NM_006734.4(HIVEP2):c.1135C>A (p.Gln379Lys)

Gene: HIVEP2 (HIVEP zinc finger 2; minus strand). Cytogenetic location: 6q24.2.
Variant type: single nucleotide variant.
Coding change: c.1135C>A on transcript NM_006734.4 (MANE Select); coding-DNA position 1135, C replaced by A.
Protein change: p.Gln379Lys; replaces glutamine 379 with lysine.
Molecular consequence: missense variant.
Genome position (GRCh38, 1-based): chr6:142,773,604, G>T on the plus strand (C>A on the coding strand, the complement: HIVEP2 is on the minus strand). VCF-style: chr6-142773604-G-T. GRCh37 (hg19) VCF-style: chr6-143094741-G-T.
Other names: short protein forms Q379K.
Identifiers: ClinVar variation 2116204 (VCV002116204.4), dbSNP rs1341342061, ClinGen allele CA365914509.